The following is an entry in ClinVar:

ClinVar aggregate classification (germline): Uncertain significance (1 of 4 stars; one submission).

Conditions:
Meckel syndrome, type 11 (MKS11). Identifiers: Orphanet 564, MedGen C3809352, MONDO:0014164, OMIM 615397.
Joubert syndrome 20 (JBTS20). Identifiers: Orphanet 475, MedGen C3554235, MONDO:0013994, OMIM 614970.

Allele frequency attached by ClinVar (database versions not stated): TOPMed 0.00001; ExAC 0.00002; gnomAD exomes 0.00002; ESP Exome Variant Server 0.00008.

Submission:

Labcorp Genetics (formerly Invitae), Labcorp
Classification: Uncertain significance for Joubert syndrome 20; Meckel syndrome, type 11. Last evaluated: 2025-10-08. Review status: criteria provided, single submitter. Criteria: Invitae Variant Classification Sherloc (09022015). Collection method: clinical testing. Allele origin: germline.
Comment: This sequence change replaces tyrosine, which is neutral and polar, with cysteine, which is neutral and slightly polar, at codon 259 of the TMEM231 protein (p.Tyr259Cys). This variant is present in population databases (rs374279951, gnomAD 0.02%). This variant has not been reported in the literature in individuals affected with TMEM231-related conditions. ClinVar contains an entry for this variant (Variation ID: 1405959). An algorithm developed to predict the effect of missense changes on protein structure and function outputs the following: PolyPhen-2: "Not Available". The cysteine amino acid residue is found in multiple mammalian species, which suggests that this missense change does not adversely affect protein function. In summary, the available evidence is currently insufficient to determine the role of this variant in disease. Therefore, it has been classified as a Variant of Uncertain Significance.

NM_001077418.3(TMEM231):c.617A>G (p.Tyr206Cys)

Gene: TMEM231 (transmembrane protein 231; minus strand). Cytogenetic location: 16q23.1.
Variant type: single nucleotide variant.
Coding change: c.617A>G on transcript NM_001077418.3 (MANE Select); coding-DNA position 617, A replaced by G.
Protein change: p.Tyr206Cys; replaces tyrosine 206 with cysteine.
Molecular consequence: missense variant. On other transcripts: non-coding transcript variant (1).
Genome position (GRCh38, 1-based): chr16:75,542,649, T>C on the plus strand (A>G on the coding strand, the complement: TMEM231 is on the minus strand). VCF-style: chr16-75542649-T-C. GRCh37 (hg19) VCF-style: chr16-75576547-T-C.
Other names: c.776A>G, p.Tyr259Cys (NM_001077416.2); short protein forms Y206C, Y259C.
Identifiers: ClinVar variation 1405959 (VCV001405959.8), dbSNP rs374279951, ClinGen allele CA8176111.